The following is an entry in ClinVar:

ClinVar aggregate classification (germline): Uncertain significance (1 of 4 stars; one submission).

Submission:

Labcorp Genetics (formerly Invitae), Labcorp
Classification: Uncertain significance. Last evaluated: 2022-07-21. Review status: criteria provided, single submitter. Criteria: Invitae Variant Classification Sherloc (09022015). Collection method: clinical testing. Allele origin: germline.
Comment: This variant has not been reported in the literature in individuals affected with CLCN5-related conditions. This variant is not present in population databases (gnomAD no frequency). This sequence change replaces aspartic acid, which is acidic and polar, with tyrosine, which is neutral and polar, at codon 495 of the CLCN5 protein (p.Asp495Tyr). In summary, the available evidence is currently insufficient to determine the role of this variant in disease. Therefore, it has been classified as a Variant of Uncertain Significance. Algorithms developed to predict the effect of missense changes on protein structure and function (SIFT, PolyPhen-2, Align-GVGD) all suggest that this variant is likely to be disruptive.

NM_001127898.4(CLCN5):c.1693G>T (p.Asp565Tyr)

Gene: CLCN5 (chloride voltage-gated channel 5; plus strand). Cytogenetic location: Xp11.23.
Variant type: single nucleotide variant.
Coding change: c.1693G>T on transcript NM_001127898.4 (MANE Select); coding-DNA position 1693, G replaced by T.
Protein change: p.Asp565Tyr; replaces aspartic acid 565 with tyrosine.
Molecular consequence: missense variant.
Genome position (GRCh38, 1-based): chrX:50,088,833, G>T. VCF-style: chrX-50088833-G-T. GRCh37 (hg19) VCF-style: chrX-49853490-G-T.
Other names: c.1483G>T, p.Asp495Tyr (NM_000084.5); c.1693G>T, p.Asp565Tyr (NM_001127899.4); c.1543G>T, p.Asp515Tyr (NM_001282163.2); short protein forms D495Y, D515Y, D565Y.
Identifiers: ClinVar variation 1722270 (VCV001722270.5), dbSNP rs2519440735, ClinGen allele CA413188362.
Genomic context (GRCh38, chrX:50,088,833, plus strand): 5'-CAGCTGGCTTATTACCACCAGGAATGGACCGTCTTCAATAGCTGGTGTAGTCAGGGAGCT[G>T]ATTGCATCACCCCCGGCCTTTATGCAATGGTTGGGGCTGCAGCCTGCTTAGGTGAGTAGT-3'
Protein context (NP_001121370.1, residues 555-575): VFNSWCSQGA[Asp565Tyr]CITPGLYAMV